The following is an entry in ClinVar:

NM_012213.3(MLYCD):c.875del (p.Ser292fs)

Genes: MLYCD (malonyl-CoA decarboxylase; plus strand), LOC126862422 (CDK7 strongly-dependent group 2 enhancer GRCh37_chr16:83945234-83946433; plus strand). Cytogenetic location: 16q23.3.
Variant type: Deletion.
Coding change: c.875del on transcript NM_012213.3 (MANE Select); coding-DNA position 875, one base deleted (G; older notation c.875delG).
Protein change: p.Ser292fs; shifts the reading frame from serine 292.
Molecular consequence: frameshift variant.
Genome position (GRCh38, 1-based): chr16:83,912,294, G deleted. VCF-style (leftmost placement, unchanged base first): chr16-83912293-AG-A. GRCh37 (hg19) VCF-style: chr16-83945898-AG-A.
Other names: short protein forms S292fs.
Identifiers: ClinVar variation 2872639 (VCV002872639.3), dbSNP rs2507387531, ClinGen allele CA2739266905.

ClinVar aggregate classification (germline): Pathogenic (1 of 4 stars; one submission).

Conditions:
Deficiency of malonyl-CoA decarboxylase. Also called: Malonic aciduria; MCD deficiency. Identifiers: Orphanet 943, MedGen C0342793, MONDO:0009556, OMIM 248360.

Submission:

Labcorp Genetics (formerly Invitae), Labcorp
Classification: Pathogenic for Deficiency of malonyl-CoA decarboxylase. Last evaluated: 2022-12-01. Review status: criteria provided, single submitter. Criteria: Invitae Variant Classification Sherloc (09022015). Collection method: clinical testing. Allele origin: germline.
Comment: For these reasons, this variant has been classified as Pathogenic. This variant has not been reported in the literature in individuals affected with MLYCD-related conditions. This variant is not present in population databases (gnomAD no frequency). This sequence change creates a premature translational stop signal (p.Ser292Thrfs*2) in the MLYCD gene. It is expected to result in an absent or disrupted protein product. Loss-of-function variants in MLYCD are known to be pathogenic (PMID: 12955715, 17186413).

Literature cited by the submitters: PubMed 12955715; PubMed 17186413.